The following is an entry in ClinVar:

ClinVar aggregate classification (germline): Uncertain significance (1 of 4 stars; one submission).

Submission:

Labcorp Genetics (formerly Invitae), Labcorp
Classification: Uncertain significance. Last evaluated: 2022-07-01. Review status: criteria provided, single submitter. Criteria: Invitae Variant Classification Sherloc (09022015). Collection method: clinical testing. Allele origin: germline.
Comment: A copy number gain of the genomic region encompassing the full coding sequence of the GEN1 gene has been identified. The boundaries of this event are unknown as they extend beyond the assayed region for this gene and therefore may encompass additional genes. As the precise location of this event is unknown, it may be in tandem or it may be located elsewhere in the genome. This variant has not been reported in the literature in individuals affected with GEN1-related conditions. Experimental studies and prediction algorithms are not available or were not evaluated, and the functional significance of this variant is currently unknown. In summary, the available evidence is currently insufficient to determine the role of this variant in disease. Therefore, it has been classified as a Variant of Uncertain Significance.

NC_000002.12:g.(?_17759944)_(17781939_?)dup

Gene: GEN1 (GEN1 Holliday junction 5' flap endonuclease; plus strand). Cytogenetic location: 2p24.2.
Variant type: Duplication.
Identifiers: ClinVar variation 832652 (VCV000832652.2).